The following is an entry in ClinVar:

ClinVar aggregate classification (germline): Uncertain significance (1 of 4 stars; one submission).

Conditions:
Male infertility. Identifiers: MedGen C0021364, MeSH D007248, MONDO:0005372, HP:0003251.

gnomAD v4.1: 80 of 1,597,980 alleles (0.005%); highest among the groups gnomAD compares: South Asian, 0.088%; 4 homozygotes.

Submission:

Department of Molecular Medicine, Shahid Sadoughi University of Medical Sciences
Classification: Uncertain significance for Male infertility. Review status: criteria provided, single submitter. Criteria: Assertion Criteria For Variant Classification. Collection method: curation. Allele origin: germline. Affected: yes.
Comment: The variant is rare in the general population (gnomAD genomes allele frequency 3.94 × 10⁻⁵). Multiple computational prediction tools support a deleterious effect (SIFT: deleterious; PolyPhen-2: probably damaging), and the variant has a high CADD score (31). However, there is currently insufficient evidence establishing a causal relationship between PINX1 variants and male infertility. Therefore, according to ACMG/AMP guidelines, this variant is classified as a Variant of Uncertain Significance (VUS)

NM_017884.6(PINX1):c.350C>T (p.Ser117Phe)

Gene: PINX1 (PIN2 (TERF1) interacting telomerase inhibitor 1). Cytogenetic location: 8p23.1.
Variant type: single nucleotide variant.
Coding change: c.350C>T on transcript NM_017884.6 (MANE Select); coding-DNA position 350, C replaced by T.
Protein change: p.Ser117Phe; replaces serine 117 with phenylalanine.
Molecular consequence: missense variant.
Genome position (GRCh38, 1-based): chr8:10,826,196, G>A on the plus strand (C>T on the coding strand, the complement: PINX1 is on the minus strand). VCF-style: chr8-10826196-G-A. GRCh37 (hg19) VCF-style: chr8-10683706-G-A.
Other names: c.350C>T, p.Ser117Phe (NM_001284356.2); short protein forms S117F.
Identifiers: ClinVar variation 4884348 (VCV004884348.1).